The following is an entry in ClinVar:

NM_024422.6(DSC2):c.2100_2102dup (p.Leu702dup)

Gene: DSC2 (desmocollin 2; minus strand). Cytogenetic location: 18q12.1.
Variant type: Duplication.
Coding change: c.2100_2102dup on transcript NM_024422.6 (MANE Select); coding-DNA positions 2100 to 2102, 3 bases duplicated (ATT; older notation c.2100_2102dupATT).
Protein change: p.Leu702dup; duplicates leucine 702.
Molecular consequence: inframe insertion.
Genome position (GRCh38, 1-based): chr18:31,071,628-31,071,630, AAT duplicated on the plus strand (ATT on the coding strand, the reverse complement: DSC2 is on the minus strand); duplicating any 3 consecutive bases within chr18:31,071,628-31,071,631 gives the same sequence; the c. name uses the placement nearest the transcript's 3' end. VCF-style (leftmost placement, unchanged base first): chr18-31071627-C-CAAT. GRCh37 (hg19) VCF-style: chr18-28651593-C-CAAT.
Other names: c.2100_2102dup, p.Leu702dup (NM_004949.5).
Identifiers: ClinVar variation 1481296 (VCV001481296.8), dbSNP rs2144790582, ClinGen allele CA2573155209.

ClinVar aggregate classification (germline): Uncertain significance (1 of 4 stars; one submission).

Conditions:
Arrhythmogenic right ventricular dysplasia 11. Also called: Arrhythmogenic right ventricular dysplasia 11 with mild palmoplantar keratoderma and woolly hair; Arrhythmogenic Right Ventricular Dysplasia/Cardiomyopathy11; ARRHYTHMOGENIC RIGHT VENTRICULAR DYSPLASIA, FAMILIAL, 11. Identifiers: MedGen C1864850, MONDO:0012506, OMIM 610476.

Submission:

Labcorp Genetics (formerly Invitae), Labcorp
Classification: Uncertain significance for Arrhythmogenic right ventricular dysplasia 11. Last evaluated: 2020-11-04. Review status: criteria provided, single submitter. Criteria: Invitae Variant Classification Sherloc (09022015). Collection method: clinical testing. Allele origin: germline.
Comment: This variant, c.2100_2102dup, results in the insertion of 1 amino acid(s) to the DSC2 protein (p.Leu702dup), but otherwise preserves the integrity of the reading frame. This variant is not present in population databases (ExAC no frequency). This variant has not been reported in the literature in individuals with DSC2-related conditions. Experimental studies and prediction algorithms are not available or were not evaluated, and the functional significance of this variant is currently unknown. In summary, the available evidence is currently insufficient to determine the role of this variant in disease. Therefore, it has been classified as a Variant of Uncertain Significance.